The following is an entry in ClinVar:

NM_000128.4(F11):c.1230dup (p.Thr411fs)

Gene: F11 (coagulation factor XI; plus strand). Cytogenetic location: 4q35.2.
Variant type: Duplication.
Coding change: c.1230dup on transcript NM_000128.4 (MANE Select); coding-DNA position 1230, one base duplicated (C; older notation c.1230dupC).
Protein change: p.Thr411fs; shifts the reading frame from threonine 411.
Molecular consequence: frameshift variant.
Genome position (GRCh38, 1-based): chr4:186,284,186, C duplicated; the last of 3 consecutive C bases (chr4:186,284,184-186,284,186); duplicating any one gives the same sequence. VCF-style (leftmost placement, unchanged base first): chr4-186284183-A-AC. GRCh37 (hg19) VCF-style: chr4-187205337-A-AC.
Other names: c.1182dup, p.Thr395fs (NM_001440590.1, NM_001440596.1); c.1230dup, p.Thr411fs (NM_001440593.1); c.960dup, p.Thr321fs (NM_001440605.1, NM_001440607.1); c.912dup, p.Thr305fs (NM_001440606.1, NM_001440608.1); short protein forms T305fs, T321fs, T395fs, T411fs.
Identifiers: ClinVar variation 5011800 (VCV005011800.1).

ClinVar aggregate classification (germline): Pathogenic (1 of 4 stars; one submission).

Conditions:
Hereditary factor XI deficiency disease. Also called: PLASMA THROMBOPLASTIN ANTECEDENT DEFICIENCY; PTA DEFICIENCY; ROSENTHAL SYNDROME; Congenital factor XI deficiency. Identifiers: Orphanet 329, MedGen C0015523, MeSH D005173, MONDO:0012897, OMIM 612416.

Submission:

Myriad Genetics, Inc.
Classification: Pathogenic for Hereditary factor XI deficiency disease. Last evaluated: 2023-09-27. Review status: criteria provided, single submitter. Criteria: Myriad Autosomal Dominant, Autosomal Recessive and X-Linked Classification Criteria (2023). Collection method: clinical testing. Allele origin: unknown.
Comment: NM_000128.3(F11):c.1230dupC(T411Hfs*30) is expected to be pathogenic in the context of factor XI deficiency. This variant is predicted to lead to an abnormal or absent protein product due to the creation of a premature termination codon in F11, a gene where loss-of-function variants are known to be pathogenic. Please note: this variant was assessed in the context of healthy population screening.